The following is an entry in ClinVar:

NM_001271.4(CHD2):c.617del (p.Asp206fs)

Gene: CHD2 (chromodomain helicase DNA binding protein 2; plus strand). Cytogenetic location: 15q26.1.
Variant type: Deletion.
Coding change: c.617del on transcript NM_001271.4 (MANE Select); coding-DNA position 617, one base deleted (A; older notation c.617delA).
Protein change: p.Asp206fs; shifts the reading frame from aspartic acid 206.
Molecular consequence: frameshift variant.
Genome position (GRCh38, 1-based): chr15:92,939,643, A deleted. VCF-style (leftmost placement, unchanged base first): chr15-92939642-GA-G. GRCh37 (hg19) VCF-style: chr15-93482872-GA-G.
Other names: c.617del, p.Asp206fs (NM_001042572.3); short protein forms D206fs.
Identifiers: ClinVar variation 2813491 (VCV002813491.3), dbSNP rs2505433070, ClinGen allele CA2739269744.

ClinVar aggregate classification (germline): Pathogenic (1 of 4 stars; one submission).

Conditions:
Developmental and epileptic encephalopathy 94 (DEE94). Also called: CHD2-Related Neurodevelopmental Disorders; Epileptic encephalopathy, childhood-onset. Identifiers: Orphanet 1942, Orphanet 2382, MedGen C3809278, MONDO:0014150, OMIM 615369.

Submission:

Labcorp Genetics (formerly Invitae), Labcorp
Classification: Pathogenic for Developmental and epileptic encephalopathy 94. Last evaluated: 2022-11-10. Review status: criteria provided, single submitter. Criteria: Invitae Variant Classification Sherloc (09022015). Collection method: clinical testing. Allele origin: germline.
Comment: For these reasons, this variant has been classified as Pathogenic. This variant has not been reported in the literature in individuals affected with CHD2-related conditions. This variant is not present in population databases (gnomAD no frequency). This sequence change creates a premature translational stop signal (p.Asp206Valfs*43) in the CHD2 gene. It is expected to result in an absent or disrupted protein product. Loss-of-function variants in CHD2 are known to be pathogenic (PMID: 23708187, 24207121).

Literature cited by the submitters: PubMed 23708187; PubMed 24207121.